The following is an entry in ClinVar:

NM_001292034.3(TAB2):c.1462dup (p.Thr488fs)

Genes: TAB2 (TGF-beta activated kinase 1 (MAP3K7) binding protein 2; plus strand), LOC126859827 (BRD4-independent group 4 enhancer GRCh37_chr6:149699707-149700906; plus strand). Cytogenetic location: 6q25.1.
Variant type: Duplication.
Coding change: c.1462dup on transcript NM_001292034.3 (MANE Select); coding-DNA position 1462, one base duplicated (A; older notation c.1462dupA).
Protein change: p.Thr488fs; shifts the reading frame from threonine 488.
Molecular consequence: frameshift variant.
Genome position (GRCh38, 1-based): chr6:149,379,377, A duplicated. VCF-style (leftmost placement, unchanged base first): chr6-149379376-T-TA. GRCh37 (hg19) VCF-style: chr6-149700512-T-TA.
Other names: c.1366dup, p.Thr456fs (NM_001292035.3); c.1462dup, p.Thr488fs (NM_001369506.1, NM_015093.6); short protein forms T456fs, T488fs.
Identifiers: ClinVar variation 1805200 (VCV001805200.1), dbSNP rs2483397661, ClinGen allele CA2573050746.

ClinVar aggregate classification (germline): Pathogenic (1 of 4 stars; one submission).

Conditions:
Congenital heart defects, multiple types, 2 (CHTD2). Also called: Congenital heart defects, nonsyndromic, 2. Identifiers: Orphanet 664401, MedGen C3554279, MONDO:0014000, OMIM 614980.

Submission:

Victorian Clinical Genetics Services, Murdoch Childrens Research Institute
Classification: Pathogenic for Congenital heart defects, multiple types, 2. Last evaluated: 2022-02-02. Review status: criteria provided, single submitter. Criteria: ACMG Guidelines, 2015. Collection method: clinical testing. Allele origin: germline. Inheritance: Autosomal dominant inheritance.
Comment: Based on the classification scheme VCGS_Germline_v1.3.4, this variant is classified as Pathogenic. Following criteria are met: 0102 - Loss of function is a known mechanism of disease in this gene and is associated with nonsyndromic congenital heart defects (MIM#614980). (I) 0107 - This gene is associated with autosomal dominant disease. (I) 0201 - Variant is predicted to cause nonsense-mediated decay (NMD) and loss of protein (premature termination codon is located at least 54 nucleotides upstream of the final exon-exon junction). (SP) 0251 - This variant is heterozygous. (I) 0301 - Variant is absent from gnomAD (both v2 and v3). (SP) 0701 - Other NMD predicted variants comparable to the one identified in this case have very strong previous evidence for pathogenicity (DECIPHER). (SP) 0807 - This variant has no previous evidence of pathogenicity. (I) 0905 - No published segregation evidence has been identified for this variant. (I) 1007 - No published functional evidence has been identified for this variant. (SP) Legend: (SP) - Supporting pathogenic, (I) - Information, (SB) - Supporting benign